The following is an entry in ClinVar:

NM_001321075.3(DLG4):c.1756C>T (p.Arg586Trp)

Gene: DLG4 (discs large MAGUK scaffold protein 4; minus strand). Cytogenetic location: 17p13.1.
Variant type: single nucleotide variant.
Coding change: c.1756C>T on transcript NM_001321075.3 (MANE Select); coding-DNA position 1756, C replaced by T.
Protein change: p.Arg586Trp; replaces arginine 586 with tryptophan.
Molecular consequence: missense variant. On other transcripts: non-coding transcript variant (1).
Genome position (GRCh38, 1-based): chr17:7,193,055, G>A on the plus strand (C>T on the coding strand, the complement: DLG4 is on the minus strand). VCF-style: chr17-7193055-G-A. GRCh37 (hg19) VCF-style: chr17-7096374-G-A.
Other names: c.1747C>T, p.Arg583Trp (NM_001128827.4); c.1876C>T, p.Arg626Trp (NM_001321074.1); c.1576C>T, p.Arg526Trp (NM_001321076.3, NM_001321077.3); c.1885C>T, p.Arg629Trp (NM_001365.5); c.1675C>T, p.Arg559Trp (NM_001369566.3); short protein forms R526W, R559W, R583W, R586W, R626W, R629W.
Identifiers: ClinVar variation 2498099 (VCV002498099.4), dbSNP rs373107787, ClinGen allele CA8336844.

ClinVar aggregate classification (germline): Uncertain significance. Review status: criteria provided, single submitter (1 of 4 stars). 2 submissions from 2 submitters: Uncertain significance (1). 1 of the submissions does not count toward it. Last evaluated 2023-02-28.

Conditions:
Intellectual developmental disorder 62. Also called: MENTAL RETARDATION, AUTOSOMAL DOMINANT 62; INTELLECTUAL DEVELOPMENTAL DISORDER, AUTOSOMAL DOMINANT 62. Identifiers: MedGen C5394083, MONDO:0032919, OMIM 618793.
DLG4-related disorder. Also called: DLG4-related condition.

Allele frequency attached by ClinVar (database versions not stated): ESP Exome Variant Server 0.00008; ExAC 0.00001; gnomAD 0.00001; TOPMed 0.00001.
gnomAD v4.1: 1 of 1,613,598 alleles (0.000062%); highest among the groups gnomAD compares: Non-Finnish European, 0.000085%; no homozygotes.

Submissions (2):

Tumer Group, Copenhagen University Hospital, Rigshospitalet
Classification: Uncertain significance for Intellectual developmental disorder 62. Last evaluated: 2023-02-28. Review status: criteria provided, single submitter. Criteria: ACMG Guidelines, 2015. Collection method: research. Allele origin: maternal. Affected: yes.

PreventionGenetics, part of Exact Sciences
Classification: Uncertain significance for DLG4-related condition. Last evaluated: 2023-11-28. Review status: no assertion criteria provided. Collection method: clinical testing. Allele origin: germline. Not counted in ClinVar's aggregate classification.
Comment: The DLG4 c.1885C>T variant is predicted to result in the amino acid substitution p.Arg629Trp. To our knowledge, this variant has not been reported in the literature or in a large population database, indicating this variant is rare. Of note, another missense variant affecting the same amino acid (p.Arg629Gln) has been associated with Synaptopathy (HGMD database; Rodríguez-Palmero et al. 2021. PubMed ID: 33597769). At this time, the clinical significance of this variant is uncertain due to the absence of conclusive functional and genetic evidence.